The following is an entry in ClinVar:

ClinVar aggregate classification (germline): Uncertain significance (1 of 4 stars; one submission).

Allele frequency attached by ClinVar (database versions not stated): gnomAD exomes 0.00001; TOPMed 0.00001.
gnomAD v4.1: 10 of 1,614,122 alleles (0.00062%); highest among the groups gnomAD compares: Non-Finnish European, 0.00068%; no homozygotes.

Submission:

Labcorp Genetics (formerly Invitae), Labcorp
Classification: Uncertain significance. Last evaluated: 2022-10-17. Review status: criteria provided, single submitter. Criteria: Invitae Variant Classification Sherloc (09022015). Collection method: clinical testing. Allele origin: germline.
Comment: In summary, the available evidence is currently insufficient to determine the role of this variant in disease. Therefore, it has been classified as a Variant of Uncertain Significance. Algorithms developed to predict the effect of missense changes on protein structure and function output the following: SIFT: "Tolerated"; PolyPhen-2: "Benign"; Align-GVGD: "Class C0". The glycine amino acid residue is found in multiple mammalian species, which suggests that this missense change does not adversely affect protein function. ClinVar contains an entry for this variant (Variation ID: 1470594). This variant has not been reported in the literature in individuals affected with RP1-related conditions. This variant is not present in population databases (gnomAD no frequency). This sequence change replaces glutamic acid, which is acidic and polar, with glycine, which is neutral and non-polar, at codon 1076 of the RP1 protein (p.Glu1076Gly).

NM_006269.2(RP1):c.3227A>G (p.Glu1076Gly)

Gene: RP1 (RP1 axonemal microtubule associated; plus strand). Cytogenetic location: 8q12.1.
Variant type: single nucleotide variant.
Coding change: c.3227A>G on transcript NM_006269.2 (MANE Select); coding-DNA position 3227, A replaced by G.
Protein change: p.Glu1076Gly; replaces glutamic acid 1076 with glycine.
Molecular consequence: missense variant. On other transcripts: intron variant (1).
Genome position (GRCh38, 1-based): chr8:54,627,109, A>G. VCF-style: chr8-54627109-A-G. GRCh37 (hg19) VCF-style: chr8-55539669-A-G.
Other names: c.787+4821A>G (NM_001375654.1); short protein forms E1076G.
Identifiers: ClinVar variation 1470594 (VCV001470594.6), dbSNP rs1233367368, ClinGen allele CA370995907.